The following is an entry in ClinVar:

NM_000520.6(HEXA):c.739C>T (p.Arg247Trp)

Gene: HEXA (hexosaminidase subunit alpha; minus strand). Cytogenetic location: 15q23.
Variant type: single nucleotide variant.
Coding change: c.739C>T on transcript NM_000520.6 (MANE Select); coding-DNA position 739, C replaced by T.
Protein change: p.Arg247Trp; replaces arginine 247 with tryptophan.
Molecular consequence: missense variant. On other transcripts: non-coding transcript variant (1).
Genome position (GRCh38, 1-based): chr15:72,350,584, G>A on the plus strand (C>T on the coding strand, the complement: HEXA is on the minus strand). VCF-style: chr15-72350584-G-A. GRCh37 (hg19) VCF-style: chr15-72642925-G-A.
Other names: c.772C>T, p.Arg258Trp (NM_001318825.2); short protein forms R247W, R258W.
Identifiers: ClinVar variation 3922 (VCV000003922.63), dbSNP rs121907970, ClinGen allele CA116507.
Genomic context (GRCh38, chr15:72,350,584, plus strand): 5'-CCCAGGACAAAGTGTGGCCAGGAGTGTCAAACTCTGCAAGCACACGGATACCCCGGAGCC[G>A]TGCGTATTCAATGACCTCCTTCACATCCTGTGCTGTGTAGATGTGGGTGACAGGGTTGTA-3'
Protein context (NP_000511.2, residues 237-257): QDVKEVIEYA[Arg247Trp]LRGIRVLAEF

ClinVar aggregate classification (germline): Benign/Likely benign; other. Review status: criteria provided, multiple submitters, no conflicts (2 of 4 stars). 9 submissions from 9 submitters: Benign (5); Likely benign (1). 1 of the submissions does not count toward it. Last evaluated 2026-09-01.

Conditions:
Hereditary ataxia. Also called: Hereditary Ataxias. Identifiers: Orphanet 183518, MedGen C0004138, MONDO:0100309, MONDO:0000557.
Tay-Sachs disease (TSD). Also called: HEXA DEFICIENCY; GM2 gangliosidosis, type 1; Hexosaminidase alpha-subunit deficiency (variant B); Sphingolipidosis, Tay-Sachs; Hexosaminidase A Deficiency; HEXA Disorders. Identifiers: Orphanet 845, MedGen C0039373, MONDO:0010100, OMIM 272800.
BETA-HEXOSAMINIDASE A, PSEUDODEFICIENCY OF. Identifiers: MedGen C4310892.

Allele frequency attached by ClinVar (database versions not stated): 1000 Genomes Project 30x 0.00031; gnomAD 0.00190 and 0.00181; gnomAD exomes 0.00294 and 0.00154; 1000 Genomes Project 0.00040; ExAC 0.00164; TOPMed 0.00175.

Submissions (9):

CeGaT Center for Human Genetics Tuebingen
Classification: Likely benign. Last evaluated: 2026-09-01. Review status: criteria provided, single submitter. Criteria: CeGaT Center For Human Genetics Tuebingen Variant Classification Criteria Version 2. Collection method: clinical testing. Allele origin: germline. Affected: yes. Observed: 8 variant alleles.
Comment: HEXA: PP3, BS2

Women's Health and Genetics/Laboratory Corporation of America, LabCorp
Classification: Benign. Last evaluated: 2024-05-08. Review status: criteria provided, single submitter. Criteria: LabCorp Variant Classification Summary - May 2015. Collection method: clinical testing. Allele origin: germline.
Comment: Variant summary: HEXA c.739C>T (p.Arg247Trp) results in a non-conservative amino acid change in the encoded protein sequence. Five of five in-silico tools predict a damaging effect of the variant on protein function. The variant allele was found at a frequency of 0.0015 in 251482 control chromosomes in the gnomAD database, including 1 homozygote. The observed variant frequency is slightly higher than the estimated maximal expected allele frequency for a pathogenic variant in HEXA causing Tay-Sachs Disease phenotype (0.0014). c.739C>T is widely accepted in the field as a benign pseudodeficiency allele, with reduced HEXA enzymatic activity toward synthetic substrate(s), but not with the natural substrate. About 35% of non-Jewish individuals identified as heterozygotes by HEXA enzyme-based testing are carriers of a pseudodeficiency allele, while about 2% of Jewish individuals identified as heterozygotes by HEXA enzyme-based testing in carrier screening programs are actually heterozygous for the variant of interest (e.g. Triggs-Raine_1992). c.739C>T has been reported in the literature in individuals affected with Tay-Sachs Disease, however these reports do not provide unequivocal conclusions about association of the variant with Tay-Sachs Disease. At least one publication reports experimental evidence evaluating an impact on protein function and showed no damaging effect of this variant (e.g. Cao_1997). The following publications have been ascertained in the context of this evaluation (PMID: 9169471, 1384323). ClinVar contains an entry for this variant (Variation ID: 3922). Based on the evidence outlined above, the variant was classified as benign.

Quest Diagnostics Nichols Institute San Juan Capistrano
Classification: Benign. Last evaluated: 2022-08-26. Review status: criteria provided, single submitter. Criteria: Quest Diagnostics criteria. Collection method: clinical testing. Allele origin: unknown.

Cambridge Genomics Laboratory, East Genomic Laboratory Hub, NHS Genomic Medicine Service
Classification: Benign for Hereditary ataxia. Last evaluated: 2020-03-04. Review status: criteria provided, single submitter. Criteria: ACGS Best Practice Guidelines for Variant Classification in Rare Disease 2020. Collection method: clinical testing. Allele origin: germline. Affected: yes. Observed: 1 variant allele.

GeneDx
Classification: Benign. Last evaluated: 2018-01-04. Review status: criteria provided, single submitter. Criteria: GeneDx Variant Classification Process June 2021. Collection method: clinical testing. Allele origin: germline. Affected: yes.
Comment: This variant is associated with the following publications: (PMID: 31692161, 29482223, 26990548, 19858779, 22975760, 1384323, 17259242, 9169471)

Labcorp Genetics (formerly Invitae), Labcorp
Classification: other for Tay-Sachs disease. Last evaluated: 2017-05-08. Review status: criteria provided, single submitter. Criteria: Invitae Variant Classification Sherloc (09022015). Collection method: clinical testing. Allele origin: germline.

Eurofins Ntd Llc (ga)
Classification: other. Last evaluated: 2016-04-01. Review status: criteria provided, single submitter. Criteria: EGL Classification Definitions 2015. Collection method: clinical testing. Allele origin: germline. Observed: 8 variant alleles, 8 heterozygotes.

PreventionGenetics, part of Exact Sciences
Classification: Benign. Review status: criteria provided, single submitter. Criteria: ACMG Guidelines, 2015. Collection method: clinical testing. Allele origin: germline.

OMIM
Classification: Pathogenic for BETA-HEXOSAMINIDASE A, PSEUDODEFICIENCY OF. Last evaluated: 1993-08-01. Review status: no assertion criteria provided. Collection method: literature only. Allele origin: germline. Not counted in ClinVar's aggregate classification.

Literature cited by the submitters: PubMed 9169471 (cited by Women's Health and Genetics/Laboratory Corporation of America, LabCorp and Quest Diagnostics Nichols Institute San Juan Capistrano); PubMed 1384323 (cited by 3 submitters); PubMed 8328470 (cited by Quest Diagnostics Nichols Institute San Juan Capistrano and OMIM); PubMed 34426522 (cited by Quest Diagnostics Nichols Institute San Juan Capistrano); PubMed 12108829 (cited by Quest Diagnostics Nichols Institute San Juan Capistrano); PubMed 1301937 (cited by Quest Diagnostics Nichols Institute San Juan Capistrano).